The following is an entry in ClinVar:

ClinVar aggregate classification (germline): Likely benign. Review status: criteria provided, multiple submitters, no conflicts (2 of 4 stars). 2 submissions from 2 submitters: Likely benign (2). Last evaluated 2026-06-10.

Conditions:
SZT2-related disorder. Also called: SZT2-related condition.

Allele frequency attached by ClinVar (database versions not stated): gnomAD exomes 0.00001 and 0.00002; ExAC 0.00002; gnomAD 0.00003 and 0.00004; TOPMed 0.00012; ESP Exome Variant Server 0.00015.
gnomAD v4.1: 15 of 1,613,550 alleles (0.00093%); highest among the groups gnomAD compares: African/African-American, 0.019%; no homozygotes.

Submissions (2):

PreventionGenetics, part of Exact Sciences
Classification: Likely benign for SZT2-related condition. Last evaluated: 2026-06-10. Review status: criteria provided, single submitter. Criteria: ACMG Guidelines, 2015. Collection method: clinical testing. Allele origin: germline.
Comment: This variant is classified as likely benign based on ACMG/AMP sequence variant interpretation guidelines (Richards et al. 2015 PMID: 25741868, with internal and published modifications).

Labcorp Genetics (formerly Invitae), Labcorp
Classification: Likely benign. Last evaluated: 2026-01-20. Review status: criteria provided, single submitter. Criteria: Invitae Variant Classification Sherloc (09022015). Collection method: clinical testing. Allele origin: germline.

NM_001365999.1(SZT2):c.3336G>A (p.Lys1112=)

Gene: SZT2 (SZT2 subunit of KICSTOR complex; plus strand). Cytogenetic location: 1p34.2.
Variant type: single nucleotide variant.
Coding change: c.3336G>A on transcript NM_001365999.1 (MANE Select); coding-DNA position 3336, G replaced by A.
Protein change: p.Lys1112=; no amino-acid change (lysine 1112 retained).
Molecular consequence: synonymous variant.
Genome position (GRCh38, 1-based): chr1:43,427,082, G>A. VCF-style: chr1-43427082-G-A. GRCh37 (hg19) VCF-style: chr1-43892753-G-A.
Other names: c.3165G>A (NM_015284.3); c.3165G>A, p.Lys1055= (NM_015284.4).
Identifiers: ClinVar variation 1099313 (VCV001099313.10), dbSNP rs368224490, ClinGen allele CA808962.